The following is an entry in ClinVar:

ClinVar aggregate classification (germline): Uncertain significance (1 of 4 stars; one submission).

Conditions:
Cardiovascular phenotype. Identifiers: MedGen CN230736.

Submission:

Ambry Genetics
Classification: Uncertain significance for Cardiovascular phenotype. Last evaluated: 2026-02-13. Review status: criteria provided, single submitter. Criteria: Ambry Variant Classification Scheme 2023. Collection method: clinical testing. Allele origin: germline.
Comment: The p.E978G variant (also known as c.2933A>G), located in coding exon 6 of the ALPK3 gene, results from an A to G substitution at nucleotide position 2933. The glutamic acid at codon 978 is replaced by glycine, an amino acid with similar properties. This amino acid position is conserved. In addition, this alteration is predicted to be tolerated by in silico analysis. Based on the available evidence, the clinical significance of this variant remains unclear.

NM_020778.5(ALPK3):c.2327A>G (p.Glu776Gly)

Gene: ALPK3 (alpha kinase 3; plus strand). Cytogenetic location: 15q25.3.
Variant type: single nucleotide variant.
Coding change: c.2327A>G on transcript NM_020778.5 (MANE Select); coding-DNA position 2327, A replaced by G.
Protein change: p.Glu776Gly; replaces glutamic acid 776 with glycine.
Molecular consequence: missense variant.
Genome position (GRCh38, 1-based): chr15:84,857,065, A>G. VCF-style: chr15-84857065-A-G. GRCh37 (hg19) VCF-style: chr15-85400296-A-G.
Other names: short protein forms E776G.
Identifiers: ClinVar variation 4844752 (VCV004844752.1).